The following is an entry in ClinVar:

ClinVar aggregate classification (germline): Pathogenic (1 of 4 stars; one submission).

Conditions:
Congenital myasthenic syndrome 5. Identifiers: Orphanet 590, MedGen C1864233, MONDO:0011281, OMIM 603034.

Submission:

Labcorp Genetics (formerly Invitae), Labcorp
Classification: Pathogenic for Congenital myasthenic syndrome 5. Last evaluated: 2022-07-12. Review status: criteria provided, single submitter. Criteria: Invitae Variant Classification Sherloc (09022015). Collection method: clinical testing. Allele origin: germline.
Comment: This variant is not present in population databases (gnomAD no frequency). This sequence change creates a premature translational stop signal (p.Gly267Alafs*9) in the COLQ gene. It is expected to result in an absent or disrupted protein product. Loss-of-function variants in COLQ are known to be pathogenic (PMID: 22678886). This variant has not been reported in the literature in individuals affected with COLQ-related conditions. ClinVar contains an entry for this variant (Variation ID: 1069918). For these reasons, this variant has been classified as Pathogenic.

Literature cited by the submitters: PubMed 22678886.

NM_005677.4(COLQ):c.798del (p.Gly267fs)

Gene: COLQ (collagen like tail subunit of asymmetric acetylcholinesterase; minus strand). Cytogenetic location: 3p25.1.
Variant type: Deletion.
Coding change: c.798del on transcript NM_005677.4 (MANE Select); coding-DNA position 798, one base deleted (A; older notation c.798delA).
Protein change: p.Gly267fs; shifts the reading frame from glycine 267.
Molecular consequence: frameshift variant.
Genome position (GRCh38, 1-based): chr3:15,466,357, T deleted on the plus strand (A on the coding strand, the reverse complement: COLQ is on the minus strand). VCF-style (leftmost placement, unchanged base first): chr3-15466356-CT-C. GRCh37 (hg19) VCF-style: chr3-15507863-CT-C.
Other names: c.768del, p.Gly257fs (NM_080538.2); c.696del, p.Gly233fs (NM_080539.4); short protein forms G233fs, G257fs, G267fs.
Identifiers: ClinVar variation 1069918 (VCV001069918.8), dbSNP rs2125103406, ClinGen allele CA2499216558.